The following is an entry in ClinVar:

ClinVar aggregate classification (germline): Likely benign (1 of 4 stars; one submission).

gnomAD v4.1: 89 of 1,613,586 alleles (0.0055%); highest among the groups gnomAD compares: Admixed American, 0.058%; no homozygotes.

Submission:

CeGaT Center for Human Genetics Tuebingen
Classification: Likely benign. Last evaluated: 2026-01-01. Review status: criteria provided, single submitter. Criteria: CeGaT Center For Human Genetics Tuebingen Variant Classification Criteria Version 2. Collection method: clinical testing. Allele origin: germline. Affected: yes. Observed: 1 variant allele.
Comment: FLT4: BP4, BP7

NM_182925.5(FLT4):c.2328C>T (p.Ile776=)

Genes: FLT4 (fms related receptor tyrosine kinase 4; minus strand), LOC126807632 (CDK7 strongly-dependent group 2 enhancer GRCh37_chr5:180046831-180048030; plus strand). Cytogenetic location: 5q35.3.
Variant type: single nucleotide variant.
Coding change: c.2328C>T on transcript NM_182925.5 (MANE Select); coding-DNA position 2328, C replaced by T.
Protein change: p.Ile776=; no amino-acid change (isoleucine 776 retained).
Molecular consequence: synonymous variant.
Genome position (GRCh38, 1-based): chr5:180,620,687, G>A on the plus strand (C>T on the coding strand, the complement: FLT4 is on the minus strand). VCF-style: chr5-180620687-G-A. GRCh37 (hg19) VCF-style: chr5-180047687-G-A.
Other names: c.2328C>T, p.Ile776= (NM_001354989.2, NM_002020.5).
Identifiers: ClinVar variation 4821581 (VCV004821581.4).